The following is an entry in ClinVar:

NM_001114753.3(ENG):c.1311+1G>C

Genes: ENG (endoglin; minus strand), LOC102723566 (uncharacterized LOC102723566; plus strand). Cytogenetic location: 9q34.11.
Variant type: single nucleotide variant.
Coding change: c.1311+1G>C on transcript NM_001114753.3 (MANE Select); the canonical splice donor site of the intron after coding-DNA position 1311, G replaced by C.
Molecular consequence: splice donor variant.
Genome position (GRCh38, 1-based): chr9:127,819,621, C>G on the plus strand (G>C on the coding strand, the complement: ENG is on the minus strand). VCF-style: chr9-127819621-C-G. GRCh37 (hg19) VCF-style: chr9-130581900-C-G.
Other names: NC_000009.11:g.130581900C>G; c.1311+1G>C (NM_000118.4); c.765+1G>C (NM_001278138.2).
Identifiers: ClinVar variation 1769659 (VCV001769659.3), dbSNP rs112972846, ClinGen allele CA200305376.

ClinVar aggregate classification (germline): Pathogenic (1 of 4 stars; one submission).

Conditions:
Cardiovascular phenotype. Identifiers: MedGen CN230736.

Submissions (2):

Ambry Genetics
Classification: Pathogenic for Cardiovascular phenotype. Last evaluated: 2020-09-10. Review status: criteria provided, single submitter. Criteria: Ambry Variant Classification Scheme 2023. Collection method: clinical testing. Allele origin: germline.
Comment: The c.1311+1G>C intronic pathogenic mutation results from a G to C substitution one nucleotide after coding exon 10 of the ENG gene. Alterations that disrupt the canonical splice site are expected to cause aberrant splicing. In silico splice site analysis predicts that this alteration will weaken the native splice donor site. The resulting transcript is predicted to be in-frame and is not expected to trigger nonsense-mediated mRNAdecay; however, direct evidence is unavailable. The exact functional effect of the missing amino acids is unknown; however, the impacted region is critical for protein function (Ambry internal data). In addition, other alterations impacting the same donor site have been described: c.1311G>C (Gallione CJ et al. Hum. Mutat., 1998;11:286-94), c.1311G>A (Letteboer TG et al. Hum. Genet., 2005 Jan;116:8-16), c.1311+2T>G (McDonald J et al. Clin. Genet., 2011 Apr;79:335-44), and c.1311+1G>A (McDonald J et al. Am. J. Med. Genet. A, 2018 07;176:1618-1621). Based on the supporting evidence, this alteration is interpreted as a disease-causing mutation.

Dr. Peter K. Rogan Lab, Western University
No classification provided (evidence only). Condition: Nonpapillary renal cell carcinoma. Review status: no classification provided. Collection method: in vitro. Allele origin: not applicable. Functional consequence: skipped exon. Not counted in ClinVar's aggregate classification.

Literature cited by the submitters: PubMed 15517393 (cited by Ambry Genetics); PubMed 21158752 (cited by Ambry Genetics); PubMed 29736967 (cited by Ambry Genetics); PubMed 9554745 (cited by Ambry Genetics).